The following is an entry in ClinVar:

ClinVar aggregate classification (germline): Uncertain significance (1 of 4 stars; one submission).

Submission:

Ambry Genetics
Classification: Uncertain significance. Last evaluated: 2024-02-22. Review status: criteria provided, single submitter. Criteria: Ambry Variant Classification Scheme 2023. Collection method: clinical testing. Allele origin: germline.
Comment: The p.S978G variant (also known as c.2932A>G), located in coding exon 23 of the BUB1 gene, results from an A to G substitution at nucleotide position 2932. The serine at codon 978 is replaced by glycine, an amino acid with similar properties. This amino acid position is conserved. In addition, this alteration is predicted to be tolerated by in silico analysis. Based on the available evidence, the clinical significance of this alteration remains unclear.

NM_004336.5(BUB1):c.2932A>G (p.Ser978Gly)

Gene: BUB1 (BUB1 mitotic checkpoint serine/threonine kinase; minus strand). Cytogenetic location: 2q13.
Variant type: single nucleotide variant.
Coding change: c.2932A>G on transcript NM_004336.5 (MANE Select); coding-DNA position 2932, A replaced by G.
Protein change: p.Ser978Gly; replaces serine 978 with glycine.
Molecular consequence: missense variant.
Genome position (GRCh38, 1-based): chr2:110,641,057, T>C on the plus strand (A>G on the coding strand, the complement: BUB1 is on the minus strand). VCF-style: chr2-110641057-T-C. GRCh37 (hg19) VCF-style: chr2-111398634-T-C.
Other names: c.2872A>G, p.Ser958Gly (NM_001278616.2); c.2761A>G, p.Ser921Gly (NM_001278617.2); short protein forms S921G, S958G, S978G.
Identifiers: ClinVar variation 3224071 (VCV003224071.1), dbSNP rs2467970034, ClinGen allele CA348088976.